The following is an entry in ClinVar:

NM_001130987.2(DYSF):c.3031A>T (p.Lys1011Ter)

Gene: DYSF (dysferlin; plus strand). Cytogenetic location: 2p13.2.
Variant type: single nucleotide variant.
Coding change: c.3031A>T on transcript NM_001130987.2 (MANE Select); coding-DNA position 3031, A replaced by T.
Protein change: p.Lys1011Ter; replaces lysine 1011 with a stop codon.
Molecular consequence: nonsense.
Genome position (GRCh38, 1-based): chr2:71,570,280, A>T. VCF-style: chr2-71570280-A-T. GRCh37 (hg19) VCF-style: chr2-71797410-A-T.
Other names: c.2980A>T, p.Lys994Ter (NM_001130455.2, NM_001130983.2); c.2938A>T, p.Lys980Ter (NM_001130986.2, NM_001130984.2); c.2977A>T, p.Lys993Ter (NM_003494.4, NM_001130978.2); c.2935A>T, p.Lys979Ter (NM_001130976.2, NM_001130977.2); c.3070A>T, p.Lys1024Ter (NM_001130979.2); c.3028A>T, p.Lys1010Ter (NM_001130980.2, NM_001130981.2); c.3073A>T, p.Lys1025Ter (NM_001130982.2); c.3031A>T, p.Lys1011Ter (NM_001130985.2); short protein forms K1010*, K1011*, K1024*, K1025*, K979*, K980*, K993*, K994*.
Identifiers: ClinVar variation 1724893 (VCV001724893.3), dbSNP rs2545819541, ClinGen allele CA347216520.
Genomic context (GRCh38, chr2:71,570,280, plus strand): 5'-TGTCCTTAGAACGGGGAGAAGGTGCTTCCCAAGGATGACATTGAGTGCCCACTGGGCTGG[A>T]AGTGGGAAGATGAGGAATGGTCCACAGACCTCAACCGGGCTGTCGATGAGCAAGGTGGGC-3'

ClinVar aggregate classification (germline): Likely pathogenic (1 of 4 stars; one submission).

Conditions:
Autosomal recessive limb-girdle muscular dystrophy. Identifiers: Orphanet 102015, MedGen C2931907, MONDO:0015152.

Submission:

Myriad Genetics, Inc.
Classification: Likely pathogenic for Autosomal recessive limb-girdle muscular dystrophy. Last evaluated: 2022-03-02. Review status: criteria provided, single submitter. Criteria: Myriad Autosomal Dominant, Autosomal Recessive and X-Linked Classification Criteria (2023). Collection method: clinical testing. Allele origin: unknown.
Comment: NM_003494.3(DYSF):c.2977A>T(K993*) is expected to be pathogenic in the context of dysferlinopathy. This variant is predicted to lead to an abnormal or absent protein product due to the creation of a premature termination codon in DYSF, a gene where loss-of-function variants are known to be pathogenic. Please note: this variant was assessed in the context of healthy population screening.